The following is an entry in ClinVar:

ClinVar aggregate classification (germline): Uncertain significance. Review status: criteria provided, multiple submitters, no conflicts (2 of 4 stars). 3 submissions from 3 submitters: Uncertain significance (3). Last evaluated 2025-02-13.

Conditions:
Asphyxiating thoracic dystrophy 5 (SRTD5). Also called: SHORT-RIB THORACIC DYSPLASIA 5 WITHOUT POLYDACTYLY; SHORT-RIB THORACIC DYSPLASIA 5 WITH OR WITHOUT POLYDACTYLY. Identifiers: Orphanet 474, MedGen C3280598, MONDO:0013717, OMIM 614376.
Nephronophthisis 13 (NPHP13). Identifiers: Orphanet 655, MedGen C3280612, MONDO:0013718, OMIM 614377.
Cranioectodermal dysplasia 4 (CED4). Identifiers: Orphanet 1515, MedGen C3280616, MONDO:0013719, OMIM 614378.
Spermatogenic failure 72 (SPGF72). Identifiers: MedGen C5676980, MONDO:0030809, OMIM 619867.
Senior-Loken syndrome 8 (SLSN8). Identifiers: Orphanet 3156, MedGen C4225376, MONDO:0014579, OMIM 616307.

Allele frequency attached by ClinVar (database versions not stated): TOPMed 0.00007.
gnomAD v4.1: 45 of 1,611,978 alleles (0.0028%); highest among the groups gnomAD compares: Middle Eastern, 0.033%; no homozygotes.

Submissions (3):

Labcorp Genetics (formerly Invitae), Labcorp
Classification: Uncertain significance for Senior-Loken syndrome 8; Asphyxiating thoracic dystrophy 5. Last evaluated: 2025-02-13. Review status: criteria provided, single submitter. Criteria: Invitae Variant Classification Sherloc (09022015). Collection method: clinical testing. Allele origin: germline.
Comment: This sequence change replaces arginine, which is basic and polar, with cysteine, which is neutral and slightly polar, at codon 272 of the WDR19 protein (p.Arg272Cys). This variant is present in population databases (rs199812132, gnomAD 0.01%). This missense change has been observed in individual(s) with Senior-Løken syndrome (PMID: 23683095). ClinVar contains an entry for this variant (Variation ID: 1374474). Invitae Evidence Modeling of protein sequence and biophysical properties (such as structural, functional, and spatial information, amino acid conservation, physicochemical variation, residue mobility, and thermodynamic stability) indicates that this missense variant is not expected to disrupt WDR19 protein function with a negative predictive value of 80%. In summary, the available evidence is currently insufficient to determine the role of this variant in disease. Therefore, it has been classified as a Variant of Uncertain Significance.

Blueprint Genetics
Classification: Uncertain significance. Last evaluated: 2024-09-30. Review status: criteria provided, single submitter. Criteria: ACMG Guidelines, 2015. Collection method: clinical testing. Allele origin: germline.

Fulgent Genetics
Classification: Uncertain significance for Asphyxiating thoracic dystrophy 5; Nephronophthisis 13; Cranioectodermal dysplasia 4; Senior-Loken syndrome 8; Spermatogenic failure 72. Last evaluated: 2022-01-28. Review status: criteria provided, single submitter. Criteria: ACMG Guidelines, 2015. Collection method: clinical testing. Allele origin: unknown.

Literature cited by the submitters: PubMed 23683095 (cited by Labcorp Genetics (formerly Invitae), Labcorp).

NM_025132.4(WDR19):c.814C>T (p.Arg272Cys)

Gene: WDR19 (WD repeat domain 19; plus strand). Cytogenetic location: 4p14.
Variant type: single nucleotide variant.
Coding change: c.814C>T on transcript NM_025132.4 (MANE Select); coding-DNA position 814, C replaced by T.
Protein change: p.Arg272Cys; replaces arginine 272 with cysteine.
Molecular consequence: missense variant.
Genome position (GRCh38, 1-based): chr4:39,205,660, C>T. VCF-style: chr4-39205660-C-T. GRCh37 (hg19) VCF-style: chr4-39207280-C-T.
Other names: c.334C>T, p.Arg112Cys (NM_001317924.2); short protein forms R272C, R112C.
Identifiers: ClinVar variation 1374474 (VCV001374474.8), dbSNP rs199812132, ClinGen allele CA2891709.